The following is an entry in ClinVar:

ClinVar aggregate classification (germline): Uncertain significance (1 of 4 stars; one submission).

Submission:

GeneDx
Classification: Uncertain significance. Last evaluated: 2023-09-09. Review status: criteria provided, single submitter. Criteria: GeneDx Variant Classification Process June 2021. Collection method: clinical testing. Allele origin: germline. Affected: yes.
Comment: Not observed at significant frequency in large population cohorts (gnomAD); In silico analysis supports that this missense variant has a deleterious effect on protein structure/function; Has not been previously published as pathogenic or benign to our knowledge; Variants in candidate genes are classified as variants of uncertain significance in accordance with ACMG guidelines (Richards et al., 2015)

NM_004630.4(SF1):c.209T>C (p.Leu70Pro)

Gene: SF1 (splicing factor 1; minus strand). Cytogenetic location: 11q13.1.
Variant type: single nucleotide variant.
Coding change: c.209T>C on transcript NM_004630.4 (MANE Select); coding-DNA position 209, T replaced by C.
Protein change: p.Leu70Pro; replaces leucine 70 with proline.
Molecular consequence: missense variant. On other transcripts: intron variant (2).
Genome position (GRCh38, 1-based): chr11:64,773,457, A>G on the plus strand (T>C on the coding strand, the complement: SF1 is on the minus strand). VCF-style: chr11-64773457-A-G. GRCh37 (hg19) VCF-style: chr11-64540929-A-G.
Other names: c.584T>C, p.Leu195Pro (NM_001178030.2, NM_001378956.1, NM_001378957.1 and 2 more transcripts); c.131T>C, p.Leu44Pro (NM_001178031.3, NM_001440584.1, NM_001440585.1); c.209T>C, p.Leu70Pro (NM_001346363.2, NM_001346364.2, NM_001440582.1 and 4 more transcripts); c.-110+3041T>C (NM_001346409.2, NM_001346410.2); short protein forms L195P, L44P, L70P.
Identifiers: ClinVar variation 4282448 (VCV004282448.1).